The following is an entry in ClinVar:

NM_000431.4(MVK):c.1174G>A (p.Ala392Thr)

Gene: MVK (mevalonate kinase; plus strand). Cytogenetic location: 12q24.11.
Variant type: single nucleotide variant.
Coding change: c.1174G>A on transcript NM_000431.4 (MANE Select); coding-DNA position 1174, G replaced by A.
Protein change: p.Ala392Thr; replaces alanine 392 with threonine.
Molecular consequence: missense variant.
Genome position (GRCh38, 1-based): chr12:109,596,560, G>A. VCF-style: chr12-109596560-G-A. GRCh37 (hg19) VCF-style: chr12-110034365-G-A.
Other names: c.1174G>A, p.Ala392Thr (NM_001114185.3); c.1018G>A, p.Ala340Thr (NM_001301182.2); short protein forms A340T, A392T.
Identifiers: ClinVar variation 1039865 (VCV001039865.10), dbSNP rs1314369808, ClinGen allele CA386651487.

ClinVar aggregate classification (germline): Uncertain significance (1 of 4 stars; one submission).

Conditions:
Mevalonic aciduria (MEVA). Identifiers: Orphanet 29, MedGen C1959626, MONDO:0012481, OMIM 610377.
Porokeratosis 3, disseminated superficial actinic type (POROK3). Also called: POROKERATOSIS, DISSEMINATED SUPERFICIAL ACTINIC, 1; POROKERATOSIS 3, MIBELLI TYPE; POROKERATOSIS 3, MULTIPLE TYPES. Identifiers: MedGen C1867981, MONDO:0008293, OMIM 175900.
Hyperimmunoglobulin D with periodic fever (HIDS). Also called: HYPERIMMUNOGLOBULINEMIA D AND PERIODIC FEVER SYNDROME; Hyperimmunoglobulinemia D; Hyperimmunoglobulinemia D with periodic fever. Identifiers: Orphanet 343, MedGen C0398691, MONDO:0009849, OMIM 260920.

Allele frequency attached by ClinVar (database versions not stated): gnomAD 0.00001; TOPMed 0.00002.

Submission:

Labcorp Genetics (formerly Invitae), Labcorp
Classification: Uncertain significance for Mevalonic aciduria; Hyperimmunoglobulin D with periodic fever; Porokeratosis 3, disseminated superficial actinic type. Last evaluated: 2022-11-22. Review status: criteria provided, single submitter. Criteria: Invitae Variant Classification Sherloc (09022015). Collection method: clinical testing. Allele origin: germline.
Comment: In summary, the available evidence is currently insufficient to determine the role of this variant in disease. Therefore, it has been classified as a Variant of Uncertain Significance. Advanced modeling of protein sequence and biophysical properties (such as structural, functional, and spatial information, amino acid conservation, physicochemical variation, residue mobility, and thermodynamic stability) performed at Invitae indicates that this missense variant is expected to disrupt MVK protein function. ClinVar contains an entry for this variant (Variation ID: 1039865). This variant has not been reported in the literature in individuals affected with MVK-related conditions. This variant is not present in population databases (gnomAD no frequency). This sequence change replaces alanine, which is neutral and non-polar, with threonine, which is neutral and polar, at codon 392 of the MVK protein (p.Ala392Thr).